The following is an entry in ClinVar:

ClinVar aggregate classification (germline): Uncertain significance (1 of 4 stars; one submission).

Submission:

Women's Health and Genetics/Laboratory Corporation of America, LabCorp
Classification: Uncertain significance. Last evaluated: 2023-11-16. Review status: criteria provided, single submitter. Criteria: LabCorp Variant Classification Summary - May 2015. Collection method: clinical testing. Allele origin: germline.
Comment: Variant summary: GBE1 c.1621A>T (p.Asn541Tyr) results in a non-conservative amino acid change located in the Glycosyl hydrolase, family 13, catalytic domain (IPR006047) of the encoded protein sequence. Five of five in-silico tools predict a damaging effect of the variant on protein function. Consensus agreement among computation tools predict no significant impact on normal splicing. However, these predictions have yet to be confirmed by functional studies. The variant was absent in 152394 control chromosomes. The available data on variant occurrences in the general population are insufficient to allow any conclusion about variant significance. c.1621A>T has been reported in the literature in individuals affected with Glycogen Storage Disease, Type IV (Szymanska_2018). These reports do not provide unequivocal conclusions about association of the variant with Glycogen Storage Disease, Type IV. To our knowledge, no experimental evidence demonstrating an impact on protein function has been reported. The following publications have been ascertained in the context of this evaluation (PMID: 27290639, 29379554). No submitters have cited clinical-significance assessments for this variant to ClinVar after 2014. Based on the evidence outlined above, the variant was classified as uncertain significance.

Literature cited by the submitters: PubMed 27290639; PubMed 29379554.

NM_000158.4(GBE1):c.1621A>T (p.Asn541Tyr)

Gene: GBE1 (1,4-alpha-glucan branching enzyme 1; minus strand). Cytogenetic location: 3p12.2.
Variant type: single nucleotide variant.
Coding change: c.1621A>T on transcript NM_000158.4 (MANE Select); coding-DNA position 1621, A replaced by T.
Protein change: p.Asn541Tyr; replaces asparagine 541 with tyrosine.
Molecular consequence: missense variant.
Genome position (GRCh38, 1-based): chr3:81,537,093, T>A on the plus strand (A>T on the coding strand, the complement: GBE1 is on the minus strand). VCF-style: chr3-81537093-T-A. GRCh37 (hg19) VCF-style: chr3-81586244-T-A.
Other names: short protein forms N541Y.
Identifiers: ClinVar variation 2682562 (VCV002682562.1), dbSNP rs1703086906, ClinGen allele CA353686693.